The following is an entry in ClinVar:

ClinVar aggregate classification (germline): Uncertain significance (1 of 4 stars; one submission).

Allele frequency attached by ClinVar (database versions not stated): gnomAD exomes below 0.00001.
gnomAD v4.1: 1 of 1,585,708 alleles (0.000063%); highest among the groups gnomAD compares: Non-Finnish European, 0.000087%; no homozygotes.

Submission:

Labcorp Genetics (formerly Invitae), Labcorp
Classification: Uncertain significance. Last evaluated: 2023-04-18. Review status: criteria provided, single submitter. Criteria: Invitae Variant Classification Sherloc (09022015). Collection method: clinical testing. Allele origin: germline.
Comment: In summary, the available evidence is currently insufficient to determine the role of this variant in disease. Therefore, it has been classified as a Variant of Uncertain Significance. Variants that disrupt the consensus splice site are a relatively common cause of aberrant splicing (PMID: 17576681, 9536098). Algorithms developed to predict the effect of sequence changes on RNA splicing suggest that this variant may disrupt the consensus splice site. An algorithm developed to predict the effect of missense changes on protein structure and function (PolyPhen-2) suggests that this variant is likely to be tolerated. This variant has not been reported in the literature in individuals affected with IFT88-related conditions. This variant is not present in population databases (gnomAD no frequency). This sequence change replaces methionine, which is neutral and non-polar, with isoleucine, which is neutral and non-polar, at codon 471 of the IFT88 protein (p.Met471Ile). This variant also falls at the last nucleotide of exon 18, which is part of the consensus splice site for this exon.

Literature cited by the submitters: PubMed 17576681; PubMed 9536098.

NM_006531.5(IFT88):c.1386G>A (p.Met462Ile)

Gene: IFT88 (intraflagellar transport 88; plus strand). Cytogenetic location: 13q12.11.
Variant type: single nucleotide variant.
Coding change: c.1386G>A on transcript NM_006531.5 (MANE Select); coding-DNA position 1386, G replaced by A.
Protein change: p.Met462Ile; replaces methionine 462 with isoleucine.
Molecular consequence: missense variant. On other transcripts: non-coding transcript variant (5).
Genome position (GRCh38, 1-based): chr13:20,631,102, G>A. VCF-style: chr13-20631102-G-A. GRCh37 (hg19) VCF-style: chr13-21205241-G-A.
Other names: c.1329G>A, p.Met443Ile (NM_001318491.2, NM_001353575.2); c.1413G>A, p.Met471Ile (NM_001318493.2, NM_001353565.2, NM_001353566.2 and 2 more transcripts); c.1386G>A, p.Met462Ile (NM_001353568.2, NM_001353572.2); c.1311G>A, p.Met437Ile (NM_001353569.2, NM_001353570.2, NM_001353576.2 and 1 more transcripts); c.1284G>A, p.Met428Ile (NM_001353571.2, NM_001353578.2); c.1242G>A, p.Met414Ile (NM_001353573.2); c.1227G>A, p.Met409Ile (NM_001353574.2); c.753G>A, p.Met251Ile (NM_001353579.2); short protein forms M409I, M414I, M428I, M471I, M251I, M437I, M443I, M462I.
Identifiers: ClinVar variation 2857415 (VCV002857415.3), dbSNP rs2548463054, ClinGen allele CA387472668.
Genomic context (GRCh38, chr13:20,631,102, plus strand): 5'-AAAAAAGGACAGTAGAGTGAAAAGTGCAGCTGCAACCAATCTCTCAGCCCTGTATTATAT[G>A]GTAAGTTTTTTTACTACTAAGAGTTAATCATATGCTATTTTTATATTGCTAAATTTCTGC-3'
Protein context (NP_006522.2, residues 452-472): AATNLSALYY[Met462Ile]GKDFAQASSY